The following is an entry in ClinVar:

ClinVar aggregate classification (germline): Likely benign (1 of 4 stars; one submission).

Conditions:
PLXNA4-related disorder. Also called: PLXNA4-related condition.

gnomAD v4.1: 18 of 1,614,012 alleles (0.0011%); highest among the groups gnomAD compares: Non-Finnish European, 0.0014%; no homozygotes.

Submission:

PreventionGenetics, part of Exact Sciences
Classification: Likely benign for PLXNA4-related condition. Last evaluated: 2024-10-14. Review status: criteria provided, single submitter. Criteria: ACMG Guidelines, 2015. Collection method: clinical testing. Allele origin: germline.
Comment: This variant is classified as likely benign based on ACMG/AMP sequence variant interpretation guidelines (Richards et al. 2015 PMID: 25741868, with internal and published modifications).

NM_020911.2(PLXNA4):c.1725G>A (p.Val575=)

Gene: PLXNA4 (plexin A4; minus strand). Cytogenetic location: 7q32.3.
Variant type: single nucleotide variant.
Coding change: c.1725G>A on transcript NM_020911.2 (MANE Select); coding-DNA position 1725, G replaced by A.
Protein change: p.Val575=; no amino-acid change (valine 575 retained).
Molecular consequence: synonymous variant.
Genome position (GRCh38, 1-based): chr7:132,228,349, C>T on the plus strand (G>A on the coding strand, the complement: PLXNA4 is on the minus strand). VCF-style: chr7-132228349-C-T. GRCh37 (hg19) VCF-style: chr7-131913108-C-T.
Other names: c.1725G>A, p.Val575= (NM_001393897.1).
Identifiers: ClinVar variation 4977198 (VCV004977198.1).